The following is an entry in ClinVar:

ClinVar aggregate classification (germline): Uncertain significance. Review status: criteria provided, multiple submitters, no conflicts (2 of 4 stars). 2 submissions from 2 submitters: Uncertain significance (2). Last evaluated 2025-03-17.

Conditions:
Hereditary sensory and autonomic neuropathy type 1 (HSAN1). Also called: HSN Type I; Hereditary Sensory Neuropathy Type I; HSAN 1. Identifiers: Orphanet 36386, MedGen C0020071, MONDO:0018213.
Inborn genetic diseases. Identifiers: MedGen C0950123, MeSH D030342.

Allele frequency attached by ClinVar (database versions not stated): gnomAD 0.00006 and 0.00005; gnomAD exomes 0.00001; TOPMed 0.00011.
gnomAD v4.1: 15 of 1,613,616 alleles (0.00093%); highest among the groups gnomAD compares: Admixed American, 0.02%; no homozygotes.

Submissions (2):

Labcorp Genetics (formerly Invitae), Labcorp
Classification: Uncertain significance for Hereditary sensory and autonomic neuropathy type 1. Last evaluated: 2025-03-17. Review status: criteria provided, single submitter. Criteria: Invitae Variant Classification Sherloc (09022015). Collection method: clinical testing. Allele origin: germline.
Comment: This sequence change replaces serine, which is neutral and polar, with asparagine, which is neutral and polar, at codon 90 of the SPTLC1 protein (p.Ser90Asn). This variant is present in population databases (no rsID available, gnomAD 0.003%). This variant has not been reported in the literature in individuals affected with SPTLC1-related conditions. ClinVar contains an entry for this variant (Variation ID: 946644). Invitae Evidence Modeling of protein sequence and biophysical properties (such as structural, functional, and spatial information, amino acid conservation, physicochemical variation, residue mobility, and thermodynamic stability) indicates that this missense variant is not expected to disrupt SPTLC1 protein function with a negative predictive value of 80%. In summary, the available evidence is currently insufficient to determine the role of this variant in disease. Therefore, it has been classified as a Variant of Uncertain Significance.

Ambry Genetics
Classification: Uncertain significance for Inborn genetic diseases. Last evaluated: 2024-03-15. Review status: criteria provided, single submitter. Criteria: Ambry Variant Classification Scheme 2023. Collection method: clinical testing. Allele origin: germline.

NM_006415.4(SPTLC1):c.269G>A (p.Ser90Asn)

Gene: SPTLC1 (serine palmitoyltransferase long chain base subunit 1; minus strand). Cytogenetic location: 9q22.31.
Variant type: single nucleotide variant.
Coding change: c.269G>A on transcript NM_006415.4 (MANE Select); coding-DNA position 269, G replaced by A.
Protein change: p.Ser90Asn; replaces serine 90 with asparagine.
Molecular consequence: missense variant. On other transcripts: 5 prime UTR variant (2).
Genome position (GRCh38, 1-based): chr9:92,080,955, C>T on the plus strand (G>A on the coding strand, the complement: SPTLC1 is on the minus strand). VCF-style: chr9-92080955-C-T. GRCh37 (hg19) VCF-style: chr9-94843237-C-T.
Other names: c.269G>A, p.Ser90Asn (NM_001281303.2, NM_178324.3); c.-231G>A (NM_001368272.1); c.-197G>A (NM_001368273.1); c.269G>A (NM_006415.2); short protein forms S90N.
Identifiers: ClinVar variation 946644 (VCV000946644.10), dbSNP rs946291571, ClinGen allele CA195376075.
Genomic context (GRCh38, chr9:92,080,955, plus strand): 5'-CCAAGAAAATTAAATGAGGCGAAGTTTATACATTCTTTTCCATTCACCACAGTTTTGTGG[C>T]TTGGAGGGCTAGGGAAGAGATAGAGTGGTACATGTCAATTACACATTCATGTTACATGCT-3'
Protein context (NP_006406.1, residues 80-100): LNYNIVSGPP[Ser90Asn]HKTVVNGKEC